The following is an entry in ClinVar:

NM_206933.4(USH2A):c.1432G>T (p.Glu478Ter)

Gene: USH2A (usherin; minus strand). Cytogenetic location: 1q41.
Variant type: single nucleotide variant.
Coding change: c.1432G>T on transcript NM_206933.4 (MANE Select); coding-DNA position 1432, G replaced by T.
Protein change: p.Glu478Ter; replaces glutamic acid 478 with a stop codon.
Molecular consequence: nonsense.
Genome position (GRCh38, 1-based): chr1:216,323,592, C>A on the plus strand (G>T on the coding strand, the complement: USH2A is on the minus strand). VCF-style: chr1-216323592-C-A. GRCh37 (hg19) VCF-style: chr1-216496934-C-A.
Other names: c.1432G>T, p.Glu478Ter (NM_007123.6); short protein forms E478*.
Identifiers: ClinVar variation 1070452 (VCV001070452.7), dbSNP rs1364214310, ClinGen allele CA344910057.

ClinVar aggregate classification (germline): Pathogenic (1 of 4 stars; one submission).

Submission:

Labcorp Genetics (formerly Invitae), Labcorp
Classification: Pathogenic. Last evaluated: 2020-07-23. Review status: criteria provided, single submitter. Criteria: Invitae Variant Classification Sherloc (09022015). Collection method: clinical testing. Allele origin: germline.
Comment: Loss-of-function variants in USH2A are known to be pathogenic (PMID: 10729113, 10909849, 20507924, 25649381). For these reasons, this variant has been classified as Pathogenic. This sequence change creates a premature translational stop signal (p.Glu478*) in the USH2A gene. It is expected to result in an absent or disrupted protein product. This variant is not present in population databases (ExAC no frequency). This variant has not been reported in the literature in individuals with USH2A-related conditions.

Literature cited by the submitters: PubMed 10729113; PubMed 10909849; PubMed 20507924; PubMed 25649381.